The following is an entry in ClinVar:

NM_005751.5(AKAP9):c.931-161G>C

Gene: AKAP9 (A-kinase anchoring protein 9; plus strand). Cytogenetic location: 7q21.2.
Variant type: single nucleotide variant.
Coding change: c.931-161G>C on transcript NM_005751.5 (MANE Select); 161 bases into the intron before coding-DNA position 931, G replaced by C.
Molecular consequence: intron variant.
Genome position (GRCh38, 1-based): chr7:92,000,687, G>C. VCF-style: chr7-92000687-G-C. GRCh37 (hg19) VCF-style: chr7-91630001-G-C.
Other names: c.931-161G>C (NM_147185.3).
Identifiers: ClinVar variation 671863 (VCV000671863.1), dbSNP rs3753109, ClinGen allele CA12475485.
Genomic context (GRCh38, chr7:92,000,687, plus strand): 5'-GAAGGCCAAAACTACTGTAGTGTTTGCTCACAAGTAGTGTTGGTTACACGAGTTCTAAGT[G>C]TCATTATTGTGGAAAAAATTGAGGGGCAGGACCAACATTTACTTTTTGTAGAATTTTTTA-3'

ClinVar aggregate classification (germline): Benign (1 of 4 stars; one submission).

Allele frequency attached by ClinVar (database versions not stated): 1000 Genomes Project 0.37240; 1000 Genomes Project 30x 0.37523; gnomAD 0.41452 and 0.41877; TOPMed 0.41541.

Submission:

GeneDx
Classification: Benign. Last evaluated: 2018-06-14. Review status: criteria provided, single submitter. Criteria: GeneDx Variant Classification (06012015). Collection method: clinical testing. Allele origin: germline. Affected: yes.
Comment: This variant is considered likely benign or benign based on one or more of the following criteria: it is a conservative change, it occurs at a poorly conserved position in the protein, it is predicted to be benign by multiple in silico algorithms, and/or has population frequency not consistent with disease.